The following is an entry in ClinVar:

ClinVar aggregate classification (germline): Uncertain significance (1 of 4 stars; one submission).

Submission:

GeneDx
Classification: Uncertain significance. Last evaluated: 2025-05-02. Review status: criteria provided, single submitter. Criteria: GeneDx Variant Classification Process June 2021. Collection method: clinical testing. Allele origin: germline. Affected: yes.
Comment: Not observed at significant frequency in large population cohorts (gnomAD); In silico analysis supports that this missense variant has a deleterious effect on protein structure/function; Has not been previously published as pathogenic or benign to our knowledge

NM_130837.3(OPA1):c.817C>T (p.Leu273Phe)

Gene: OPA1 (OPA1 mitochondrial dynamin like GTPase; plus strand). Cytogenetic location: 3q29.
Variant type: single nucleotide variant.
Coding change: c.817C>T on transcript NM_130837.3 (MANE Select); coding-DNA position 817, C replaced by T.
Protein change: p.Leu273Phe; replaces leucine 273 with phenylalanine.
Molecular consequence: missense variant.
Genome position (GRCh38, 1-based): chr3:193,631,639, C>T. VCF-style: chr3-193631639-C-T. GRCh37 (hg19) VCF-style: chr3-193349428-C-T.
Other names: c.283C>T, p.Leu95Phe (NM_001354663.2); c.280C>T, p.Leu94Phe (NM_001354664.2); c.652C>T, p.Leu218Phe (NM_015560.3); c.544C>T, p.Leu182Phe (NM_130831.3); c.598C>T, p.Leu200Phe (NM_130832.3); c.655C>T, p.Leu219Phe (NM_130833.3); c.706C>T, p.Leu236Phe (NM_130834.3); c.709C>T, p.Leu237Phe (NM_130835.3); and 1 more; short protein forms L182F, L200F, L218F, L219F, L236F, L237F, L255F, L273F.
Identifiers: ClinVar variation 4527512 (VCV004527512.1).